The following is an entry in ClinVar:

NM_212482.4(FN1):c.3150G>C (p.Lys1050Asn)

Gene: FN1 (fibronectin 1; minus strand). Cytogenetic location: 2q35.
Variant type: single nucleotide variant.
Coding change: c.3150G>C on transcript NM_212482.4 (MANE Select); coding-DNA position 3150, G replaced by C.
Protein change: p.Lys1050Asn; replaces lysine 1050 with asparagine.
Molecular consequence: missense variant.
Genome position (GRCh38, 1-based): chr2:215,404,492, C>G on the plus strand (G>C on the coding strand, the complement: FN1 is on the minus strand). VCF-style: chr2-215404492-C-G. GRCh37 (hg19) VCF-style: chr2-216269215-C-G.
Other names: c.3150G>C, p.Lys1050Asn (NM_001306129.2, NM_001306130.2, NM_001306131.2 and 13 more transcripts); short protein forms K1050N.
Identifiers: ClinVar variation 1063372 (VCV001063372.8), dbSNP rs774454208, ClinGen allele CA2094790.

ClinVar aggregate classification (germline): Uncertain significance. Review status: criteria provided, multiple submitters, no conflicts (2 of 4 stars). 2 submissions from 2 submitters: Uncertain significance (2). Last evaluated 2023-12-23.

Conditions:
Glomerulopathy with fibronectin deposits 2 (GFND2). Identifiers: Orphanet 84090, MedGen C1866075, MONDO:0011165, OMIM 601894.
Spondylometaphyseal dysplasia - Sutcliffe type. Also called: Sutcliffe type of spondylometaphyseal dysplasia; Sutcliffe SMD; Spondylometaphyseal dysplasia, 'corner fracture' type; Spondylometaphyseal Dysplasia, Corner Fracture Type. Identifiers: Orphanet 93315, MedGen C0432221, MONDO:0008479, OMIM 184255.

gnomAD v4.1: 19 of 1,614,044 alleles (0.0012%); highest among the groups gnomAD compares: Admixed American, 0.0017%; no homozygotes.

Submissions (2):

Fulgent Genetics
Classification: Uncertain significance for Spondylometaphyseal dysplasia - Sutcliffe type; Glomerulopathy with fibronectin deposits 2. Last evaluated: 2023-12-23. Review status: criteria provided, single submitter. Criteria: ACMG Guidelines, 2015. Collection method: clinical testing. Allele origin: germline.

Labcorp Genetics (formerly Invitae), Labcorp
Classification: Uncertain significance. Last evaluated: 2023-10-22. Review status: criteria provided, single submitter. Criteria: Invitae Variant Classification Sherloc (09022015). Collection method: clinical testing. Allele origin: germline.
Comment: This sequence change replaces lysine, which is basic and polar, with asparagine, which is neutral and polar, at codon 1050 of the FN1 protein (p.Lys1050Asn). This variant is present in population databases (rs774454208, gnomAD 0.003%). This variant has not been reported in the literature in individuals affected with FN1-related conditions. ClinVar contains an entry for this variant (Variation ID: 1063372). Advanced modeling of protein sequence and biophysical properties (such as structural, functional, and spatial information, amino acid conservation, physicochemical variation, residue mobility, and thermodynamic stability) performed at Invitae indicates that this missense variant is not expected to disrupt FN1 protein function. In summary, the available evidence is currently insufficient to determine the role of this variant in disease. Therefore, it has been classified as a Variant of Uncertain Significance.